The following is an entry in ClinVar:

ClinVar aggregate classification (germline): Uncertain significance (1 of 4 stars; one submission).

Submission:

GeneDx
Classification: Uncertain significance. Last evaluated: 2024-02-26. Review status: criteria provided, single submitter. Criteria: GeneDx Variant Classification Process June 2021. Collection method: clinical testing. Allele origin: germline. Affected: yes.
Comment: Not observed at significant frequency in large population cohorts (gnomAD); In silico analysis supports that this missense variant does not alter protein structure/function; Has not been previously published as pathogenic or benign to our knowledge

NM_032217.5(ANKRD17):c.5887G>A (p.Gly1963Ser)

Gene: ANKRD17 (ankyrin repeat domain 17; minus strand). Cytogenetic location: 4q13.3.
Variant type: single nucleotide variant.
Coding change: c.5887G>A on transcript NM_032217.5 (MANE Select); coding-DNA position 5887, G replaced by A.
Protein change: p.Gly1963Ser; replaces glycine 1963 with serine.
Molecular consequence: missense variant.
Genome position (GRCh38, 1-based): chr4:73,091,741, C>T on the plus strand (G>A on the coding strand, the complement: ANKRD17 is on the minus strand). VCF-style: chr4-73091741-C-T. GRCh37 (hg19) VCF-style: chr4-73957458-C-T.
Other names: c.5548G>A, p.Gly1850Ser (NM_001286771.3); c.5884G>A, p.Gly1962Ser (NM_015574.2); c.5134G>A, p.Gly1712Ser (NM_198889.3); short protein forms G1712S, G1850S, G1962S, G1963S.
Identifiers: ClinVar variation 3360279 (VCV003360279.1).